The following is an entry in ClinVar:

ClinVar aggregate classification (germline): Pathogenic (1 of 4 stars; one submission).

Conditions:
Nemaline myopathy 5 (NEM5A). Also called: NEMALINE MYOPATHY 5A, AUTOSOMAL RECESSIVE, SEVERE INFANTILE; NEMALINE MYOPATHY, AMISH TYPE; Nemaline myopathy 5, Amish type. Identifiers: Orphanet 98902, MedGen C1854380, MONDO:0011539, OMIM 605355.

Submission:

Labcorp Genetics (formerly Invitae), Labcorp
Classification: Pathogenic for Nemaline myopathy 5. Last evaluated: 2023-09-17. Review status: criteria provided, single submitter. Criteria: Invitae Variant Classification Sherloc (09022015). Collection method: clinical testing. Allele origin: germline.
Comment: This variant is a gross deletion of the genomic region encompassing exon(s) 8-9 of the TNNT1 gene. This variant would be expected to be in-frame, preserving the integrity of the reading frame. A similar copy number variant has been observed in individual(s) with autosomal recessive nemaline myopathy (PMID: 32994279). Studies have shown that a similar copy number variant alters TNNT1 gene expression (PMID: 32994279). For these reasons, this variant has been classified as Pathogenic.

Literature cited by the submitters: PubMed 32994279.

NC_000019.10:g.(?_55140863)_(55141322_?)del

Genes: TNNT1 (troponin T1, slow skeletal type; minus strand), LOC130065089 (ATAC-STARR-seq lymphoblastoid active region 15077; plus strand). Cytogenetic location: 19q13.42.
Variant type: Deletion.
Identifiers: ClinVar variation 534404 (VCV000534404.6).